The following is an entry in ClinVar:

NM_004522.3(KIF5C):c.1191C>T (p.Pro397=)

Gene: KIF5C (kinesin family member 5C; plus strand). Cytogenetic location: 2q23.1.
Variant type: single nucleotide variant.
Coding change: c.1191C>T on transcript NM_004522.3 (MANE Select); coding-DNA position 1191, C replaced by T.
Protein change: p.Pro397=; no amino-acid change (proline 397 retained).
Molecular consequence: synonymous variant. On other transcripts: non-coding transcript variant (1).
Genome position (GRCh38, 1-based): chr2:148,973,409, C>T. VCF-style: chr2-148973409-C-T. GRCh37 (hg19) VCF-style: chr2-149829923-C-T.
Identifiers: ClinVar variation 384131 (VCV000384131.1), dbSNP rs750336350, ClinGen allele CA1901389.

ClinVar aggregate classification (germline): Likely benign (1 of 4 stars; one submission).

Allele frequency attached by ClinVar (database versions not stated): gnomAD exomes below 0.00001; TOPMed 0.00002; ExAC 0.00001; gnomAD 0.00001.
gnomAD v4.1: 5 of 1,613,622 alleles (0.00031%); highest among the groups gnomAD compares: African/African-American, 0.0053%; no homozygotes.

Submission:

GeneDx
Classification: Likely benign. Last evaluated: 2016-03-15. Review status: criteria provided, single submitter. Criteria: GeneDx Variant Classification (06012015). Collection method: clinical testing. Allele origin: germline. Affected: yes.
Comment: This variant is considered likely benign or benign based on one or more of the following criteria: it is a conservative change, it occurs at a poorly conserved position in the protein, it is predicted to be benign by multiple in silico algorithms, and/or has population frequency not consistent with disease.